The following is an entry in ClinVar:

ClinVar aggregate classification (germline): Uncertain significance. Review status: criteria provided, multiple submitters, no conflicts (2 of 4 stars). 4 submissions from 4 submitters: Uncertain significance (4). Last evaluated 2026-04-21.

Conditions:
RAD51D-related disorder. Also called: RAD51D-related condition.
Hereditary cancer-predisposing syndrome. Also called: Neoplastic Syndromes, Hereditary; Tumor predisposition; Hereditary Cancer Syndrome; Hereditary neoplastic syndrome. Identifiers: Orphanet 140162, MedGen C0027672, MeSH D009386, MONDO:0015356.
Breast-ovarian cancer, familial, susceptibility to, 4. Identifiers: Orphanet 145, MedGen C3280345, MONDO:0013669, OMIM 614291.

Submissions (4):

PreventionGenetics, part of Exact Sciences
Classification: Uncertain significance for RAD51D-related condition. Last evaluated: 2026-04-21. Review status: criteria provided, single submitter. Criteria: ACMG Guidelines, 2015. Collection method: clinical testing. Allele origin: germline.
Comment: The RAD51D c.673G>A variant is predicted to result in the amino acid substitution p.Ala225Thr. To our knowledge, this variant has not been reported in the literature or in a large population database (gnomAD), indicating this variant is rare. This variant is interpreted as uncertain in ClinVar (Variation ID: 229842). At this time, the clinical significance of this variant is uncertain due to the absence of conclusive functional and genetic evidence.

Labcorp Genetics (formerly Invitae), Labcorp
Classification: Uncertain significance for Breast-ovarian cancer, familial, susceptibility to, 4. Last evaluated: 2026-01-28. Review status: criteria provided, single submitter. Criteria: Invitae Variant Classification Sherloc (09022015). Collection method: clinical testing. Allele origin: germline.
Comment: This sequence change replaces alanine, which is neutral and non-polar, with threonine, which is neutral and polar, at codon 225 of the RAD51D protein (p.Ala225Thr). This variant is not present in population databases (gnomAD no frequency). This variant has not been reported in the literature in individuals affected with RAD51D-related conditions. ClinVar contains an entry for this variant (Variation ID: 229842). Invitae Evidence Modeling of protein sequence and biophysical properties (such as structural, functional, and spatial information, amino acid conservation, physicochemical variation, residue mobility, and thermodynamic stability) indicates that this missense variant is not expected to disrupt RAD51D protein function with a negative predictive value of 80%. In summary, the available evidence is currently insufficient to determine the role of this variant in disease. Therefore, it has been classified as a Variant of Uncertain Significance.

Ambry Genetics
Classification: Uncertain significance for Hereditary cancer-predisposing syndrome. Last evaluated: 2022-11-26. Review status: criteria provided, single submitter. Criteria: Ambry Variant Classification Scheme 2023. Collection method: clinical testing. Allele origin: germline.
Comment: The p.A225T variant (also known as c.673G>A), located in coding exon 8 of the RAD51D gene, results from a G to A substitution at nucleotide position 673. The alanine at codon 225 is replaced by threonine, an amino acid with similar properties. This amino acid position is highly conserved in available vertebrate species. In addition, this alteration is predicted to be tolerated by in silico analysis. Since supporting evidence is limited at this time, the clinical significance of this alteration remains unclear.

GeneDx
Classification: Uncertain significance. Last evaluated: 2022-11-10. Review status: criteria provided, single submitter. Criteria: GeneDx Variant Classification Process June 2021. Collection method: clinical testing. Allele origin: germline. Affected: yes.
Comment: Not observed at significant frequency in large population cohorts (gnomAD); In silico analysis supports that this missense variant does not alter protein structure/function; Has not been previously published as pathogenic or benign to our knowledge; This variant is associated with the following publications: (PMID: 21111057, 14704354)

NM_002878.4(RAD51D):c.673G>A (p.Ala225Thr)

Genes: RAD51D (RAD51 paralog D; minus strand), RAD51L3-RFFL (RAD51L3-RFFL readthrough; minus strand). Cytogenetic location: 17q12.
Variant type: single nucleotide variant.
Coding change: c.673G>A on transcript NM_002878.4 (MANE Select); coding-DNA position 673, G replaced by A.
Protein change: p.Ala225Thr; replaces alanine 225 with threonine.
Molecular consequence: missense variant. On other transcripts: non-coding transcript variant (3).
Genome position (GRCh38, 1-based): chr17:35,103,319, C>T on the plus strand (G>A on the coding strand, the complement: RAD51D is on the minus strand). VCF-style: chr17-35103319-C-T. GRCh37 (hg19) VCF-style: chr17-33430338-C-T.
Other names: c.733G>A, p.Ala245Thr (NM_001142571.2); c.337G>A, p.Ala113Thr (NM_133629.3); short protein forms A225T, A113T, A245T.
Identifiers: ClinVar variation 229842 (VCV000229842.17), dbSNP rs28363282, ClinGen allele CA10580447.